The following is an entry in ClinVar:

ClinVar aggregate classification (germline): Uncertain significance (1 of 4 stars; one submission).

Conditions:
Bardet-Biedl syndrome (BBS). Identifiers: Orphanet 110, MedGen C0752166, MONDO:0015229.

Submission:

Labcorp Genetics (formerly Invitae), Labcorp
Classification: Uncertain significance for Bardet-Biedl syndrome. Last evaluated: 2022-08-12. Review status: criteria provided, single submitter. Criteria: Invitae Variant Classification Sherloc (09022015). Collection method: clinical testing. Allele origin: germline.
Comment: This sequence change replaces glycine, which is neutral and non-polar, with valine, which is neutral and non-polar, at codon 106 of the BBS12 protein (p.Gly106Val). This variant is not present in population databases (gnomAD no frequency). This variant has not been reported in the literature in individuals affected with BBS12-related conditions. Algorithms developed to predict the effect of missense changes on protein structure and function are either unavailable or do not agree on the potential impact of this missense change (SIFT: "Deleterious"; PolyPhen-2: "Probably Damaging"; Align-GVGD: "Class C0"). In summary, the available evidence is currently insufficient to determine the role of this variant in disease. Therefore, it has been classified as a Variant of Uncertain Significance.

NM_152618.3(BBS12):c.317G>T (p.Gly106Val)

Gene: BBS12 (Bardet-Biedl syndrome 12; plus strand). Cytogenetic location: 4q27.
Variant type: single nucleotide variant.
Coding change: c.317G>T on transcript NM_152618.3 (MANE Select); coding-DNA position 317, G replaced by T.
Protein change: p.Gly106Val; replaces glycine 106 with valine.
Molecular consequence: missense variant.
Genome position (GRCh38, 1-based): chr4:122,742,209, G>T. VCF-style: chr4-122742209-G-T. GRCh37 (hg19) VCF-style: chr4-123663364-G-T.
Other names: c.317G>T, p.Gly106Val (NM_001178007.2); short protein forms G106V.
Identifiers: ClinVar variation 2094724 (VCV002094724.1), dbSNP rs1712686422, ClinGen allele CA358222663.